The following is an entry in ClinVar:

NM_006231.4(POLE):c.4484C>A (p.Ala1495Asp)

Gene: POLE (DNA polymerase epsilon, catalytic subunit; minus strand). Cytogenetic location: 12q24.33.
Variant type: single nucleotide variant.
Coding change: c.4484C>A on transcript NM_006231.4 (MANE Select); coding-DNA position 4484, C replaced by A.
Protein change: p.Ala1495Asp; replaces alanine 1495 with aspartic acid.
Molecular consequence: missense variant.
Genome position (GRCh38, 1-based): chr12:132,643,291, G>T on the plus strand (C>A on the coding strand, the complement: POLE is on the minus strand). VCF-style: chr12-132643291-G-T. GRCh37 (hg19) VCF-style: chr12-133219877-G-T.
Other names: short protein forms A1495D.
Identifiers: ClinVar variation 1506030 (VCV001506030.8), dbSNP rs2138547037, ClinGen allele CA387380642.
Genomic context (GRCh38, chr12:132,643,291, plus strand): 5'-AGCACAAAGACGGATGCCCTGCGCTGTGAGGGGATGAAGATCCCGAAGAGCGCTTTGTGG[G>T]CCTGTGCGTGGTGGTACAGGTAGATATGGCGGATACTCCCTGGAGAAGGAAACAAGACCG-3'
Protein context (NP_006222.2, residues 1485-1505): RHIYLYHHAQ[Ala1495Asp]HKALFGIFIP

ClinVar aggregate classification (germline): Uncertain significance (1 of 4 stars; one submission).

Submission:

Labcorp Genetics (formerly Invitae), Labcorp
Classification: Uncertain significance. Last evaluated: 2021-01-31. Review status: criteria provided, single submitter. Criteria: Invitae Variant Classification Sherloc (09022015). Collection method: clinical testing. Allele origin: germline.
Comment: This variant has not been reported in the literature in individuals with POLE-related conditions. In summary, the available evidence is currently insufficient to determine the role of this variant in disease. Therefore, it has been classified as a Variant of Uncertain Significance. Algorithms developed to predict the effect of missense changes on protein structure and function (SIFT, PolyPhen-2, Align-GVGD) all suggest that this variant is likely to be tolerated, but these predictions have not been confirmed by published functional studies and their clinical significance is uncertain. This variant is not present in population databases (ExAC no frequency). This sequence change replaces alanine with aspartic acid at codon 1495 of the POLE protein (p.Ala1495Asp). The alanine residue is weakly conserved and there is a moderate physicochemical difference between alanine and aspartic acid.